The following is an entry in ClinVar:

ClinVar aggregate classification (germline): Benign/Likely benign. Review status: criteria provided, multiple submitters, no conflicts (2 of 4 stars). 9 submissions from 9 submitters: Benign (6); Likely benign (2). 1 of the submissions does not count toward it. Last evaluated 2026-02-04.

Conditions:
Alpha-1-antitrypsin deficiency (A1ATD). Also called: Alpha1-Antitrypsin Deficiency; AAT deficiency; A1AT deficiency. Identifiers: Orphanet 60, MedGen C0221757, MONDO:0013282, OMIM 613490.

Allele frequency attached by ClinVar (database versions not stated): gnomAD exomes 0.00743 and 0.01866; ExAC 0.02157; gnomAD 0.03703; TOPMed 0.04042; ESP Exome Variant Server 0.04075; 1000 Genomes Project 0.05691; 1000 Genomes Project 30x 0.05903.

Submissions (9):

Labcorp Genetics (formerly Invitae), Labcorp
Classification: Benign for Alpha-1-antitrypsin deficiency. Last evaluated: 2026-02-04. Review status: criteria provided, single submitter. Criteria: Invitae Variant Classification Sherloc (09022015). Collection method: clinical testing. Allele origin: germline.

Mayo Clinic Laboratories, Mayo Clinic
Classification: Benign. Last evaluated: 2021-12-12. Review status: criteria provided, single submitter. Criteria: ACMG Guidelines, 2015. Collection method: clinical testing. Allele origin: germline. Observed: 30 variant alleles.

GeneDx
Classification: Benign. Last evaluated: 2018-07-09. Review status: criteria provided, single submitter. Criteria: GeneDx Variant Classification Process June 2021. Collection method: clinical testing. Allele origin: germline. Affected: yes.

Illumina Laboratory Services, Illumina
Classification: Likely benign for Alpha-1-antitrypsin deficiency. Last evaluated: 2017-04-27. Review status: criteria provided, single submitter. Criteria: ICSL Variant Classification Criteria 13 December 2019. Collection method: clinical testing. Allele origin: germline.
Comment: This variant was observed as part of a predisposition screen in an ostensibly healthy population. A literature search was performed for the gene, cDNA change, and amino acid change (where applicable). Publications were found based on this search. The evidence from the literature, in combination with allele frequency data from public databases where available, was sufficient to determine this variant is unlikely to cause disease. Therefore, this variant is classified as likely benign.

Eurofins Ntd Llc (ga)
Classification: Benign. Last evaluated: 2016-03-04. Review status: criteria provided, single submitter. Criteria: EGL Classification Definitions 2015. Collection method: clinical testing. Allele origin: germline. Observed: 1 variant allele, 1 heterozygote.

Laboratory for Molecular Medicine, Mass General Brigham Personalized Medicine
Classification: Benign. Last evaluated: 2013-02-21. Review status: criteria provided, single submitter. Criteria: LMM Criteria. Collection method: clinical testing. Allele origin: germline. Observed: 4 variant alleles.
Comment: Asp280Asp in exon 5 of SERPINA1: This variant is not expected to have clinical s ignificance because it does not alter an amino acid residue and is not located w ithin the splice consensus sequence. It has been identified in 11.9% (524/4406) of African American chromosomes from a broad population by the NHLBI Exome Seque ncing Project (dbSNP rs1049800).

Breakthrough Genomics
Classification: Likely benign. Review status: criteria provided, single submitter. Criteria: ACMG Guidelines, 2015. Collection method: not provided. Allele origin: germline. Inheritance: Autosomal recessive inheritance. Affected: yes.

PreventionGenetics, part of Exact Sciences
Classification: Benign. Review status: criteria provided, single submitter. Criteria: ACMG Guidelines, 2015. Collection method: clinical testing. Allele origin: germline.

Department of Laboratory Medicine and Genetics, Trillium Health Partners Credit Valley Hospital
Classification: Benign for Alpha-1-antitrypsin deficiency. Last evaluated: 2014-12-08. Review status: no assertion criteria provided. Collection method: curation. Allele origin: germline. Affected: no. Not counted in ClinVar's aggregate classification.

Literature cited by the submitters: PubMed 19280649 (cited by Illumina Laboratory Services, Illumina).

NM_000295.5(SERPINA1):c.840T>C (p.Asp280=)

Gene: SERPINA1 (serpin family A member 1; minus strand). Cytogenetic location: 14q32.13.
Variant type: single nucleotide variant.
Coding change: c.840T>C on transcript NM_000295.5 (MANE Select); coding-DNA position 840, T replaced by C.
Protein change: p.Asp280=; no amino-acid change (aspartic acid 280 retained).
Molecular consequence: synonymous variant.
Genome position (GRCh38, 1-based): chr14:94,380,948, A>G on the plus strand (T>C on the coding strand, the complement: SERPINA1 is on the minus strand). VCF-style: chr14-94380948-A-G. GRCh37 (hg19) VCF-style: chr14-94847285-A-G.
Other names: p.Asp280=; c.840T>C, p.Asp280= (NM_001002235.3, NM_001002236.3, NM_001127700.2 and 7 more transcripts).
Identifiers: ClinVar variation 165185 (VCV000165185.26), dbSNP rs1049800, ClinGen allele CA177903.